The following is an entry in ClinVar:

NM_014008.5(CCDC22):c.1036C>G (p.Arg346Gly)

Gene: CCDC22 (CCC complex scaffolding subunit CCDC22; plus strand). Cytogenetic location: Xp11.23.
Variant type: single nucleotide variant.
Coding change: c.1036C>G on transcript NM_014008.5 (MANE Select); coding-DNA position 1036, C replaced by G.
Protein change: p.Arg346Gly; replaces arginine 346 with glycine.
Molecular consequence: missense variant.
Genome position (GRCh38, 1-based): chrX:49,247,712, C>G. VCF-style: chrX-49247712-C-G. GRCh37 (hg19) VCF-style: chrX-49104173-C-G.
Other names: short protein forms R346G.
Identifiers: ClinVar variation 3025455 (VCV003025455.22), dbSNP rs782401247, ClinGen allele CA10411380.

ClinVar aggregate classification (germline): Likely benign (1 of 4 stars; one submission).

Submission:

CeGaT Center for Human Genetics Tuebingen
Classification: Likely benign. Last evaluated: 2024-02-01. Review status: criteria provided, single submitter. Criteria: CeGaT Center For Human Genetics Tuebingen Variant Classification Criteria Version 2. Collection method: clinical testing. Allele origin: germline. Affected: yes. Observed: 1 variant allele.
Comment: CCDC22: BP4, BS2